The following is an entry in ClinVar:

NM_018979.4(WNK1):c.6505C>G (p.Pro2169Ala)

Gene: WNK1 (WNK lysine deficient protein kinase 1; plus strand). Cytogenetic location: 12p13.33.
Variant type: single nucleotide variant.
Coding change: c.6505C>G on transcript NM_018979.4 (MANE Select); coding-DNA position 6505, C replaced by G.
Protein change: p.Pro2169Ala; replaces proline 2169 with alanine.
Molecular consequence: missense variant.
Genome position (GRCh38, 1-based): chr12:900,532, C>G. VCF-style: chr12-900532-C-G. GRCh37 (hg19) VCF-style: chr12-1009698-C-G.
Other names: c.7285C>G, p.Pro2429Ala (NM_001184985.2); c.5761C>G, p.Pro1921Ala (NM_014823.3); c.7261C>G, p.Pro2421Ala (NM_213655.5); short protein forms P2429A, P2169A, P1921A, P2421A.
Identifiers: ClinVar variation 2954221 (VCV002954221.3), dbSNP rs774193094, ClinGen allele CA383338087.
Genomic context (GRCh38, chr12:900,532, plus strand): 5'-GCAGGTAACCTGTCTGGTCAGAGTGCAGCTTCAGTCTTGCACCCCCAGCAGACCCTCCAC[C>G]CTCCTGGCAACATCCCAGAGTCCGGGCAGAATCAGCTGTTACAGCCCCTTAAGCCATCTC-3'
Protein context (NP_061852.3, residues 2159-2179): SVLHPQQTLH[Pro2169Ala]PGNIPESGQN

ClinVar aggregate classification (germline): Uncertain significance (1 of 4 stars; one submission).

Conditions:
Neuropathy, hereditary sensory and autonomic, type 2A (HSAN2A). Also called: HSAN IIA; WNK1-Related HSAN2 (HSAN2A); ACROOSTEOLYSIS, GIACCAI TYPE; ACROOSTEOLYSIS, NEUROGENIC; MORVAN DISEASE; NEUROPATHY, CONGENITAL SENSORY. Identifiers: Orphanet 970, MedGen C2752089, MONDO:0024309, OMIM 201300.
Pseudohypoaldosteronism type 2C (PHA2C). Also called: Pseudohypoaldosteronism Type IIC. Identifiers: Orphanet 757, Orphanet 88940, MedGen C1840391, MONDO:0013778, OMIM 614492.

Submission:

Labcorp Genetics (formerly Invitae), Labcorp
Classification: Uncertain significance for Neuropathy, hereditary sensory and autonomic, type 2A; Pseudohypoaldosteronism type 2C. Last evaluated: 2024-01-24. Review status: criteria provided, single submitter. Criteria: Invitae Variant Classification Sherloc (09022015). Collection method: clinical testing. Allele origin: germline.
Comment: This sequence change replaces proline, which is neutral and non-polar, with alanine, which is neutral and non-polar, at codon 2421 of the WNK1 protein (p.Pro2421Ala). This variant is not present in population databases (gnomAD no frequency). This variant has not been reported in the literature in individuals affected with WNK1-related conditions. Advanced modeling of protein sequence and biophysical properties (such as structural, functional, and spatial information, amino acid conservation, physicochemical variation, residue mobility, and thermodynamic stability) performed at Invitae indicates that this missense variant is not expected to disrupt WNK1 protein function with a negative predictive value of 95%. In summary, the available evidence is currently insufficient to determine the role of this variant in disease. Therefore, it has been classified as a Variant of Uncertain Significance.